The following is an entry in ClinVar:

NM_006514.4(SCN10A):c.5656G>A (p.Ala1886Thr)

Gene: SCN10A (sodium voltage-gated channel alpha subunit 10; minus strand). Cytogenetic location: 3p22.2.
Variant type: single nucleotide variant.
Coding change: c.5656G>A on transcript NM_006514.4 (MANE Select); coding-DNA position 5656, G replaced by A.
Protein change: p.Ala1886Thr; replaces alanine 1886 with threonine.
Molecular consequence: missense variant.
Genome position (GRCh38, 1-based): chr3:38,697,564, C>T on the plus strand (G>A on the coding strand, the complement: SCN10A is on the minus strand). VCF-style: chr3-38697564-C-T. GRCh37 (hg19) VCF-style: chr3-38739055-C-T.
Other names: c.5653G>A, p.Ala1885Thr (NM_001293306.2); c.5362G>A, p.Ala1788Thr (NM_001293307.2); short protein forms A1788T, A1885T, A1886T.
Identifiers: ClinVar variation 648634 (VCV000648634.7), dbSNP rs148979438, ClinGen allele CA72946772.

ClinVar aggregate classification (germline): Uncertain significance (1 of 4 stars; one submission).

Conditions:
Brugada syndrome. Also called: Sudden unexpected nocturnal death syndrome; Sudden unexplained nocturnal death syndrome; Sudden Unexplained Death Syndrome; Sudden Unexplained Nocturnal Death Syndrome (SUNDS). Identifiers: Orphanet 130, MedGen C1142166, MONDO:0015263.

Allele frequency attached by ClinVar (database versions not stated): gnomAD exomes below 0.00001; ESP Exome Variant Server 0.00008.
gnomAD v4.1: 1 of 1,614,178 alleles (0.000062%); highest among the groups gnomAD compares: Non-Finnish European, 0.000085%; no homozygotes.

Submission:

Labcorp Genetics (formerly Invitae), Labcorp
Classification: Uncertain significance for Brugada syndrome. Last evaluated: 2019-08-20. Review status: criteria provided, single submitter. Criteria: Invitae Variant Classification Sherloc (09022015). Collection method: clinical testing. Allele origin: germline.
Comment: In summary, the available evidence is currently insufficient to determine the role of this variant in disease. Therefore, it has been classified as a Variant of Uncertain Significance. Algorithms developed to predict the effect of missense changes on protein structure and function output the following: SIFT: "Tolerated"; PolyPhen-2: "Benign"; Align-GVGD: "Class C0". The threonine amino acid residue is found in multiple mammalian species, suggesting that this missense change does not adversely affect protein function. These predictions have not been confirmed by published functional studies and their clinical significance is uncertain. This variant has not been reported in the literature in individuals with SCN10A-related conditions. This variant is not present in population databases (ExAC no frequency). This sequence change replaces alanine with threonine at codon 1886 of the SCN10A protein (p.Ala1886Thr). The alanine residue is weakly conserved and there is a small physicochemical difference between alanine and threonine.